The following is an entry in ClinVar:

NM_002861.5(PCYT2):c.179-6T>A

Gene: PCYT2 (phosphate cytidylyltransferase 2, ethanolamine; minus strand). Cytogenetic location: 17q25.3.
Variant type: single nucleotide variant.
Coding change: c.179-6T>A on transcript NM_002861.5 (MANE Select); 6 bases into the intron before coding-DNA position 179, T replaced by A.
Molecular consequence: intron variant. On other transcripts: 5 prime UTR variant (2).
Genome position (GRCh38, 1-based): chr17:81,909,043, A>T on the plus strand (T>A on the coding strand, the complement: PCYT2 is on the minus strand). VCF-style: chr17-81909043-A-T. GRCh37 (hg19) VCF-style: chr17-79866919-A-T.
Other names: c.-62T>A (NM_001256435.3, NM_001282203.2); c.179-409T>A (NM_001256433.3); c.4-8T>A (NM_001256434.3); c.179-6T>A (NM_001330518.2, NM_001184917.3); c.83-6T>A (NM_001282204.2).
Identifiers: ClinVar variation 2266147 (VCV002266147.2), dbSNP rs2510065436, ClinGen allele CA2580095351.

ClinVar aggregate classification (germline): Uncertain significance (1 of 4 stars; one submission).

Conditions:
Inborn genetic diseases. Identifiers: MedGen C0950123, MeSH D030342.

Submission:

Ambry Genetics
Classification: Uncertain significance for Inborn genetic diseases. Last evaluated: 2022-01-25. Review status: criteria provided, single submitter. Criteria: Ambry Variant Classification Scheme 2023. Collection method: clinical testing. Allele origin: germline.
Comment: The c.179-6T>A intronic alteration consists of a T to A substitution 6 nucleotides before exon 3 of the PCYT2 gene. Based on insufficient or conflicting evidence, the clinical significance of this alteration remains unclear.